The following is an entry in ClinVar:

ClinVar aggregate classification (germline): Uncertain significance (1 of 4 stars; one submission).

Conditions:
Tuberous sclerosis 2 (TSC2). Identifiers: Orphanet 805, MedGen C1860707, MONDO:0013199, OMIM 613254.

Submission:

Labcorp Genetics (formerly Invitae), Labcorp
Classification: Uncertain significance for Tuberous sclerosis 2. Last evaluated: 2023-11-28. Review status: criteria provided, single submitter. Criteria: Invitae Variant Classification Sherloc (09022015). Collection method: clinical testing. Allele origin: germline.
Comment: This sequence change replaces isoleucine, which is neutral and non-polar, with methionine, which is neutral and non-polar, at codon 1197 of the TSC2 protein (p.Ile1197Met). This variant is not present in population databases (gnomAD no frequency). This variant has not been reported in the literature in individuals affected with TSC2-related conditions. Advanced modeling of protein sequence and biophysical properties (such as structural, functional, and spatial information, amino acid conservation, physicochemical variation, residue mobility, and thermodynamic stability) performed at Invitae indicates that this missense variant is not expected to disrupt TSC2 protein function with a negative predictive value of 95%. In summary, the available evidence is currently insufficient to determine the role of this variant in disease. Therefore, it has been classified as a Variant of Uncertain Significance.

NM_000548.5(TSC2):c.3591C>G (p.Ile1197Met)

Gene: TSC2 (TSC complex subunit 2; plus strand). Cytogenetic location: 16p13.3.
Variant type: single nucleotide variant.
Coding change: c.3591C>G on transcript NM_000548.5 (MANE Select); coding-DNA position 3591, C replaced by G.
Protein change: p.Ile1197Met; replaces isoleucine 1197 with methionine.
Molecular consequence: missense variant. On other transcripts: non-coding transcript variant (5).
Genome position (GRCh38, 1-based): chr16:2,080,358, C>G. VCF-style: chr16-2080358-C-G. GRCh37 (hg19) VCF-style: chr16-2130359-C-G.
Other names: c.3459C>G, p.Ile1153Met (NM_001077183.3, NM_001370404.1, NM_001406665.1); c.3591C>G, p.Ile1197Met (NM_001114382.3); c.3351C>G, p.Ile1117Met (NM_001318827.2); c.3315C>G, p.Ile1105Met (NM_001318829.2); c.2859C>G, p.Ile953Met (NM_001318831.2, NM_001406687.1, NM_001406688.1); c.3492C>G, p.Ile1164Met (NM_001318832.2); c.3462C>G, p.Ile1154Met (NM_001363528.2, NM_001370405.1, NM_021055.3); c.3588C>G, p.Ile1196Met (NM_001406663.1, NM_001406664.1); and 18 more; short protein forms I1000M, I1104M, I1150M, I1184M, I619M, I705M, I1134M, I1148M.
Identifiers: ClinVar variation 2762271 (VCV002762271.3), dbSNP rs765503216, ClinGen allele CA394289681.